The following is an entry in ClinVar:

ClinVar aggregate classification (germline): Likely pathogenic (1 of 4 stars; one submission).

Submission:

GeneDx
Classification: Likely pathogenic. Last evaluated: 2023-12-21. Review status: criteria provided, single submitter. Criteria: GeneDx Variant Classification Process June 2021. Collection method: clinical testing. Allele origin: germline. Affected: yes.
Comment: Canonical splice site variant predicted to result in a null allele in a gene for which loss of function is a known mechanism of disease; Not observed at significant frequency in large population cohorts (gnomAD); Has not been previously published as pathogenic or benign to our knowledge

NM_017780.4(CHD7):c.-174-1G>A

Gene: CHD7 (chromodomain helicase DNA binding protein 7; plus strand). Cytogenetic location: 8q12.2.
Variant type: single nucleotide variant.
Coding change: c.-174-1G>A on transcript NM_017780.4 (MANE Select); the canonical splice acceptor site of the intron before 174 bases upstream of the start codon, G replaced by A.
Molecular consequence: splice acceptor variant.
Genome position (GRCh38, 1-based): chr8:60,741,258, G>A. VCF-style: chr8-60741258-G-A. GRCh37 (hg19) VCF-style: chr8-61653817-G-A.
Identifiers: ClinVar variation 2442454 (VCV002442454.2), dbSNP rs1305948343, ClinGen allele CA581966806.